The following is an entry in ClinVar:

ClinVar aggregate classification (germline): Likely pathogenic (1 of 4 stars; one submission).

Conditions:
Tibial muscular dystrophy (TMD). Also called: UDD MYOPATHY; Udd Distal Myopathy – Tibial Muscular Dystrophy; Tibial muscular dystrophy, tardive. Identifiers: Orphanet 609, MedGen C1838244, MONDO:0010870, OMIM 600334.

Submission:

Diagnostics Services (NGS), CSIR - Centre For Cellular And Molecular Biology
Classification: Likely pathogenic for Tibial muscular dystrophy. Last evaluated: 2025-12-10. Review status: criteria provided, single submitter. Criteria: ACMG Guidelines, 2015. Collection method: clinical testing. Allele origin: germline. Affected: yes. Observed: 1 variant allele, 1 heterozygote.
Comment: The c.61579C>T variant is not present in publicly available population databases like 1000 Genomes, EVS, gnomAD, Indian Exome Database or in our internal database. This variant has neither been published in the literature for TTN-related conditions nor reported to the clinical databases like Human Genome Mutation Database (HGMD), OMIM, or ClinVar, in any affected individuals. In-silico pathogenicity prediction programs like MutationTaster2021, CADD, Franklin, Varsome, InterVar, etc. predicted this variant to be likely deleterious. This variant creates a premature translational stop signal at the 20527th amino acid position of the wild-type transcript that may either result in translation of a truncated protein or cause nonsense-mediated decay of the mRNA.

NM_001267550.2(TTN):c.61579C>T (p.Gln20527Ter)

Genes: TTN (titin; minus strand), TTN-AS1 (TTN antisense RNA 1; plus strand). Cytogenetic location: 2q31.2.
Variant type: single nucleotide variant.
Coding change: c.61579C>T on transcript NM_001267550.2 (MANE Select); coding-DNA position 61579, C replaced by T.
Protein change: p.Gln20527Ter; replaces glutamine 20527 with a stop codon.
Molecular consequence: nonsense.
Genome position (GRCh38, 1-based): chr2:178,590,146, G>A on the plus strand (C>T on the coding strand, the complement: TTN is on the minus strand). VCF-style: chr2-178590146-G-A. GRCh37 (hg19) VCF-style: chr2-179454873-G-A.
Other names: c.56656C>T, p.Gln18886Ter (NM_001256850.1); c.34384C>T, p.Gln11462Ter (NM_003319.4); c.53875C>T, p.Gln17959Ter (NM_133378.4); c.34759C>T, p.Gln11587Ter (NM_133432.3); c.34960C>T, p.Gln11654Ter (NM_133437.4); short protein forms Q11462*, Q11587*, Q11654*, Q17959*, Q18886*, Q20527*.
Identifiers: ClinVar variation 4849670 (VCV004849670.1).
Genomic context (GRCh38, chr2:178,590,146, plus strand): 5'-ACTTGCCATGATCAGCTCTAACAGCTTCTTTAATTTGTAACTCAACACGAGGTAGATCCT[G>A]AATAAGGTCCACCCTCTTTTCTCGGACCAATACTTTGCCTTCCTTAGTCCAAGTTATGTC-3'